The following is an entry in ClinVar:

ClinVar aggregate classification (germline): Uncertain significance (1 of 4 stars; one submission).

Submission:

Ambry Genetics
Classification: Uncertain significance. Last evaluated: 2021-07-14. Review status: criteria provided, single submitter. Criteria: Ambry Variant Classification Scheme 2023. Collection method: clinical testing. Allele origin: germline.
Comment: The p.F251V variant (also known as c.751T>G), located in coding exon 8 of the BUB1 gene, results from a T to G substitution at nucleotide position 751. The phenylalanine at codon 251 is replaced by valine, an amino acid with highly similar properties. This amino acid position is conserved. In addition, the in silico prediction for this alteration is inconclusive. Since supporting evidence is limited at this time, the clinical significance of this alteration remains unclear.

NM_004336.5(BUB1):c.751T>G (p.Phe251Val)

Gene: BUB1 (BUB1 mitotic checkpoint serine/threonine kinase; minus strand). Cytogenetic location: 2q13.
Variant type: single nucleotide variant.
Coding change: c.751T>G on transcript NM_004336.5 (MANE Select); coding-DNA position 751, T replaced by G.
Protein change: p.Phe251Val; replaces phenylalanine 251 with valine.
Molecular consequence: missense variant.
Genome position (GRCh38, 1-based): chr2:110,667,575, A>C on the plus strand (T>G on the coding strand, the complement: BUB1 is on the minus strand). VCF-style: chr2-110667575-A-C. GRCh37 (hg19) VCF-style: chr2-111425152-A-C.
Other names: c.691T>G, p.Phe231Val (NM_001278616.2); c.751T>G, p.Phe251Val (NM_001278617.2); short protein forms F231V, F251V.
Identifiers: ClinVar variation 1759331 (VCV001759331.2), dbSNP rs1690292969, ClinGen allele CA348217584.